The following is an entry in ClinVar:

ClinVar aggregate classification (germline): Uncertain significance. Review status: criteria provided, multiple submitters, no conflicts (2 of 4 stars). 2 submissions from 2 submitters: Uncertain significance (2). Last evaluated 2025-06-29.

Conditions:
Disseminated atypical mycobacterial infection. Identifiers: MedGen C0694566.
Inborn genetic diseases. Identifiers: MedGen C0950123, MeSH D030342.

Allele frequency attached by ClinVar (database versions not stated): gnomAD 0.00001; TOPMed 0.00001.
gnomAD v4.1: 3 of 1,612,532 alleles (0.00019%); highest among the groups gnomAD compares: Non-Finnish European, 0.00025%; no homozygotes.

Submissions (2):

Labcorp Genetics (formerly Invitae), Labcorp
Classification: Uncertain significance for Disseminated atypical mycobacterial infection. Last evaluated: 2025-06-29. Review status: criteria provided, single submitter. Criteria: Invitae Variant Classification Sherloc (09022015). Collection method: clinical testing. Allele origin: germline.
Comment: This sequence change replaces glutamine, which is neutral and polar, with histidine, which is basic and polar, at codon 201 of the IFNGR1 protein (p.Gln201His). This variant is not present in population databases (gnomAD no frequency). This variant has not been reported in the literature in individuals affected with IFNGR1-related conditions. ClinVar contains an entry for this variant (Variation ID: 2521798). Invitae Evidence Modeling of protein sequence and biophysical properties (such as structural, functional, and spatial information, amino acid conservation, physicochemical variation, residue mobility, and thermodynamic stability) indicates that this missense variant is not expected to disrupt IFNGR1 protein function with a negative predictive value of 80%. In summary, the available evidence is currently insufficient to determine the role of this variant in disease. Therefore, it has been classified as a Variant of Uncertain Significance.

Ambry Genetics
Classification: Uncertain significance for Inborn genetic diseases. Last evaluated: 2023-05-08. Review status: criteria provided, single submitter. Criteria: Ambry Variant Classification Scheme 2023. Collection method: clinical testing. Allele origin: germline.

NM_000416.3(IFNGR1):c.603G>T (p.Gln201His)

Gene: IFNGR1 (interferon gamma receptor 1; minus strand). Cytogenetic location: 6q23.3.
Variant type: single nucleotide variant.
Coding change: c.603G>T on transcript NM_000416.3 (MANE Select); coding-DNA position 603, G replaced by T.
Protein change: p.Gln201His; replaces glutamine 201 with histidine.
Molecular consequence: missense variant.
Genome position (GRCh38, 1-based): chr6:137,203,629, C>A on the plus strand (G>T on the coding strand, the complement: IFNGR1 is on the minus strand). VCF-style: chr6-137203629-C-A. GRCh37 (hg19) VCF-style: chr6-137524766-C-A.
Other names: c.573G>T, p.Gln191His (NM_001363526.1); c.480G>T, p.Gln160His (NM_001363527.1); short protein forms Q191H, Q201H, Q160H.
Identifiers: ClinVar variation 2521798 (VCV002521798.3), dbSNP rs770830551, ClinGen allele CA365774920.
Genomic context (GRCh38, chr6:137,203,629, plus strand): 5'-TAAGACTCCTTCTGCTGAAACACAGTACTGAGAATTCAGTGAGGATACTGGAATCGCTAA[C>A]TGGCACTGAATCTCGTCACAATCATCTTCCTTCTGCGTGAGTATTTTATACTGGATCTAG-3'
Protein context (NP_000407.1, residues 191-211): KEDDCDEIQC[Gln201His]LAIPVSSLNS